The following is an entry in ClinVar:

NM_001267550.2(TTN):c.2772C>A (p.Ala924=)

Gene: TTN (titin; minus strand). Cytogenetic location: 2q31.2.
Variant type: single nucleotide variant.
Coding change: c.2772C>A on transcript NM_001267550.2 (MANE Select); coding-DNA position 2772, C replaced by A.
Protein change: p.Ala924=; no amino-acid change (alanine 924 retained).
Molecular consequence: synonymous variant.
Genome position (GRCh38, 1-based): chr2:178,784,073, G>T on the plus strand (C>A on the coding strand, the complement: TTN is on the minus strand). VCF-style: chr2-178784073-G-T. GRCh37 (hg19) VCF-style: chr2-179648800-G-T.
Other names: c.2634C>A, p.Ala878= (NM_003319.4, NM_133432.3, NM_133437.4); c.2772C>A, p.Ala924= (NM_133378.4, NM_133379.5, NM_001256850.1).
Identifiers: ClinVar variation 516034 (VCV000516034.4), dbSNP rs1442322525, ClinGen allele CA430111725.
Genomic context (GRCh38, chr2:178,784,073, plus strand): 5'-CACCTGGCCCTGCTCAATGGGAGTGGACCATGTAACAGCGGGTAACCAGTGACCAACCTT[G>T]GCTTCGCGTCCGTGCAGTACTTCAAAGCGCTCTTCACGGACGGTGGTGCCAGTGATGCTC-3'
Protein context (NP_001254479.2, residues 914-934): ERFEVLHGRE[Ala924=]KVTETARVPA

ClinVar aggregate classification (germline): Likely benign. Review status: criteria provided, multiple submitters, no conflicts (2 of 4 stars). 3 submissions from 3 submitters: Likely benign (3). Last evaluated 2024-12-11.

Conditions:
Autosomal recessive limb-girdle muscular dystrophy type 2J (LGMDR10). Also called: MUSCULAR DYSTROPHY, LIMB-GIRDLE, AUTOSOMAL RECESSIVE 10; Limb-girdle muscular dystrophy, type 2J. Identifiers: Orphanet 140922, MedGen C1837342, MONDO:0012127, OMIM 608807.
Dilated cardiomyopathy 1G (CMD1G). Identifiers: Orphanet 154, MedGen C1858763, MONDO:0011400, OMIM 604145.
Cardiovascular phenotype. Identifiers: MedGen CN230736.

Allele frequency attached by ClinVar (database versions not stated): gnomAD exomes below 0.00001.
gnomAD v4.1: 1 of 1,612,816 alleles (0.000062%); highest among the groups gnomAD compares: African/African-American, 0.0013%; no homozygotes.

Submissions (3):

Labcorp Genetics (formerly Invitae), Labcorp
Classification: Likely benign for Dilated cardiomyopathy 1G; Autosomal recessive limb-girdle muscular dystrophy type 2J. Last evaluated: 2024-12-11. Review status: criteria provided, single submitter. Criteria: Invitae Variant Classification Sherloc (09022015). Collection method: clinical testing. Allele origin: germline.

Ambry Genetics
Classification: Likely benign for Cardiovascular phenotype. Last evaluated: 2024-01-01. Review status: criteria provided, single submitter. Criteria: Ambry Variant Classification Scheme 2023. Collection method: clinical testing. Allele origin: germline.

GeneDx
Classification: Likely benign. Last evaluated: 2018-03-08. Review status: criteria provided, single submitter. Criteria: GeneDx Variant Classification (06012015). Collection method: clinical testing. Allele origin: germline. Affected: yes.
Comment: This variant is considered likely benign or benign based on one or more of the following criteria: it is a conservative change, it occurs at a poorly conserved position in the protein, it is predicted to be benign by multiple in silico algorithms, and/or has population frequency not consistent with disease.